The following is an entry in ClinVar:

ClinVar aggregate classification (germline): Uncertain significance. Review status: criteria provided, multiple submitters, no conflicts (2 of 4 stars). 2 submissions from 2 submitters: Uncertain significance (2). Last evaluated 2025-06-06.

Conditions:
Hereditary cancer-predisposing syndrome. Also called: Hereditary neoplastic syndrome; Neoplastic Syndromes, Hereditary; Tumor predisposition; Hereditary Cancer Syndrome. Identifiers: Orphanet 140162, MedGen C0027672, MeSH D009386, MONDO:0015356.
Familial adenomatous polyposis 2. Also called: FAP type 2; MUTYH-related attenuated familial adenomatous polyposis; COLORECTAL ADENOMATOUS POLYPOSIS, AUTOSOMAL RECESSIVE; ADENOMAS, MULTIPLE COLORECTAL, AUTOSOMAL RECESSIVE; MUTYH Polyposis; Adenomas, multiple colorectal. Identifiers: Orphanet 220460, Orphanet 247798, MedGen C3272841, MONDO:0012041, OMIM 608456.

Submissions (2):

Ambry Genetics
Classification: Uncertain significance for Hereditary cancer-predisposing syndrome. Last evaluated: 2025-06-06. Review status: criteria provided, single submitter. Criteria: Ambry Variant Classification Scheme 2023. Collection method: clinical testing. Allele origin: germline.
Comment: The c.577-3C>T intronic variant results from a C to T substitution 3 nucleotides upstream from coding exon 8 in the MUTYH gene. This nucleotide position is well conserved in available vertebrate species. In silico splice site analysis predicts that this alteration will not have any significant effect on splicing. Based on the available evidence, the clinical significance of this variant remains unclear.

Labcorp Genetics (formerly Invitae), Labcorp
Classification: Uncertain significance for Familial adenomatous polyposis 2. Last evaluated: 2021-12-24. Review status: criteria provided, single submitter. Criteria: Invitae Variant Classification Sherloc (09022015). Collection method: clinical testing. Allele origin: germline.
Comment: This sequence change falls in intron 7 of the MUTYH gene. It does not directly change the encoded amino acid sequence of the MUTYH protein. It affects a nucleotide within the consensus splice site. This variant is not present in population databases (gnomAD no frequency). This variant has not been reported in the literature in individuals affected with MUTYH-related conditions. Variants that disrupt the consensus splice site are a relatively common cause of aberrant splicing (PMID: 17576681, 9536098). Algorithms developed to predict the effect of sequence changes on RNA splicing suggest that this variant is not likely to affect RNA splicing. In summary, the available evidence is currently insufficient to determine the role of this variant in disease. Therefore, it has been classified as a Variant of Uncertain Significance.

Literature cited by the submitters: PubMed 17576681 (cited by Labcorp Genetics (formerly Invitae), Labcorp); PubMed 9536098 (cited by Labcorp Genetics (formerly Invitae), Labcorp).

NM_001048174.2(MUTYH):c.493-3C>T

Gene: MUTYH (mutY DNA glycosylase; minus strand). Cytogenetic location: 1p34.1.
Variant type: single nucleotide variant.
Coding change: c.493-3C>T on transcript NM_001048174.2 (MANE Select); 3 bases into the intron before coding-DNA position 493, C replaced by T.
Molecular consequence: intron variant.
Genome position (GRCh38, 1-based): chr1:45,332,690, G>A on the plus strand (C>T on the coding strand, the complement: MUTYH is on the minus strand). VCF-style: chr1-45332690-G-A. GRCh37 (hg19) VCF-style: chr1-45798362-G-A.
Other names: c.577-3C>T (NM_001128425.1, NM_001128425.2); c.148-3C>T (NM_001350651.2, NM_001350650.2); c.217-3C>T (NM_001293192.2, NM_001293196.2); c.493-3C>T (NM_001048171.2, NM_001048173.2, NM_001293195.2); c.538-3C>T (NM_001293190.2); c.568-3C>T (NM_012222.3); c.496-3C>T (NM_001048172.2); c.526-3C>T (NM_001293191.2).
Identifiers: ClinVar variation 1968165 (VCV001968165.6), dbSNP rs2149153407, ClinGen allele CA2580063122.